The following is an entry in ClinVar:

NM_001145715.3(KPNA7):c.913C>T (p.Arg305Cys)

Gene: KPNA7 (karyopherin subunit alpha 7; minus strand). Cytogenetic location: 7q22.1.
Variant type: single nucleotide variant.
Coding change: c.913C>T on transcript NM_001145715.3 (MANE Select); coding-DNA position 913, C replaced by T.
Protein change: p.Arg305Cys; replaces arginine 305 with cysteine.
Molecular consequence: missense variant.
Genome position (GRCh38, 1-based): chr7:99,185,150, G>A on the plus strand (C>T on the coding strand, the complement: KPNA7 is on the minus strand). VCF-style: chr7-99185150-G-A. GRCh37 (hg19) VCF-style: chr7-98782773-G-A.
Other names: short protein forms R305C.
Identifiers: ClinVar variation 864817 (VCV000864817.7), dbSNP rs563350491, ClinGen allele CA4363161.
Genomic context (GRCh38, chr7:99,185,150, plus strand): 5'-CCGCATCAATGGCCATCTGCGTCTGCTCATCTGTGCCCGTGACAATGTTCCCCACGGTGC[G>A]GAGAGAAGGAGTCTGGAAGAGCAAGGCTAGAAGTCTAAGTATTTCAAGTCTATCCCAGGA-3'
Protein context (NP_001139187.1, residues 295-315): SELNVLTPSL[Arg305Cys]TVGNIVTGTD

ClinVar aggregate classification (germline): Uncertain significance. Review status: criteria provided, multiple submitters, no conflicts (2 of 4 stars). 2 submissions from 2 submitters: Uncertain significance (2). Last evaluated 2024-11-11.

Allele frequency attached by ClinVar (database versions not stated): gnomAD exomes 0.00002 and 0.00004; ExAC 0.00004; gnomAD 0.00010 and 0.00011; TOPMed 0.00012; 1000 Genomes Project 0.00040; 1000 Genomes Project 30x 0.00047.
gnomAD v4.1: 40 of 1,551,276 alleles (0.0026%); highest among the groups gnomAD compares: African/African-American, 0.025%; no homozygotes.

Submissions (2):

Ambry Genetics
Classification: Uncertain significance. Last evaluated: 2024-11-11. Review status: criteria provided, single submitter. Criteria: Ambry Variant Classification Scheme 2023. Collection method: clinical testing. Allele origin: germline.

Labcorp Genetics (formerly Invitae), Labcorp
Classification: Uncertain significance. Last evaluated: 2022-06-04. Review status: criteria provided, single submitter. Criteria: Invitae Variant Classification Sherloc (09022015). Collection method: clinical testing. Allele origin: germline.
Comment: This sequence change replaces arginine, which is basic and polar, with cysteine, which is neutral and slightly polar, at codon 305 of the KPNA7 protein (p.Arg305Cys). This variant is present in population databases (rs563350491, gnomAD 0.05%). This variant has not been reported in the literature in individuals affected with KPNA7-related conditions. ClinVar contains an entry for this variant (Variation ID: 864817). Algorithms developed to predict the effect of missense changes on protein structure and function are either unavailable or do not agree on the potential impact of this missense change (SIFT: "Deleterious"; PolyPhen-2: "Benign"; Align-GVGD: "Class C45"). In summary, the available evidence is currently insufficient to determine the role of this variant in disease. Therefore, it has been classified as a Variant of Uncertain Significance.